The following is an entry in ClinVar:

ClinVar aggregate classification (germline): Likely benign. Review status: criteria provided, multiple submitters, no conflicts (2 of 4 stars). 3 submissions from 3 submitters: Likely benign (3). Last evaluated 2025-07-14.

Allele frequency attached by ClinVar (database versions not stated): gnomAD 0.00010 and 0.00011; ExAC 0.00012; gnomAD exomes 0.00012 and 0.00015; TOPMed 0.00014.
gnomAD v4.1: 229 of 1,610,310 alleles (0.014%); highest among the groups gnomAD compares: Non-Finnish European, 0.018%; no homozygotes.

Submissions (3):

Labcorp Genetics (formerly Invitae), Labcorp
Classification: Likely benign. Last evaluated: 2025-07-14. Review status: criteria provided, single submitter. Criteria: Invitae Variant Classification Sherloc (09022015). Collection method: clinical testing. Allele origin: germline.

Blueprint Genetics
Classification: Likely benign. Last evaluated: 2023-10-13. Review status: criteria provided, single submitter. Criteria: ACMG Guidelines, 2015. Collection method: clinical testing. Allele origin: germline.

GeneDx
Classification: Likely benign. Last evaluated: 2016-12-15. Review status: criteria provided, single submitter. Criteria: GeneDx Variant Classification (06012015). Collection method: clinical testing. Allele origin: germline. Affected: yes.
Comment: This variant is considered likely benign or benign based on one or more of the following criteria: it is a conservative change, it occurs at a poorly conserved position in the protein, it is predicted to be benign by multiple in silico algorithms, and/or has population frequency not consistent with disease.

NM_002291.3(LAMB1):c.349+19G>A

Gene: LAMB1 (laminin subunit beta 1; minus strand). Cytogenetic location: 7q31.1.
Variant type: single nucleotide variant.
Coding change: c.349+19G>A on transcript NM_002291.3 (MANE Select); 19 bases into the intron after coding-DNA position 349, G replaced by A.
Molecular consequence: intron variant.
Genome position (GRCh38, 1-based): chr7:107,998,338, C>T on the plus strand (G>A on the coding strand, the complement: LAMB1 is on the minus strand). VCF-style: chr7-107998338-C-T. GRCh37 (hg19) VCF-style: chr7-107638783-C-T.
Identifiers: ClinVar variation 391646 (VCV000391646.9), dbSNP rs756720953, ClinGen allele CA4436342.